The following is an entry in ClinVar:

NM_001365896.1(NACA):c.1214T>C (p.Phe405Ser)

Gene: NACA (nascent polypeptide associated complex subunit alpha; minus strand). Cytogenetic location: 12q13.3.
Variant type: single nucleotide variant.
Coding change: c.1214T>C on transcript NM_001365896.1 (MANE Select); coding-DNA position 1214, T replaced by C.
Protein change: p.Phe405Ser; replaces phenylalanine 405 with serine.
Molecular consequence: missense variant. On other transcripts: intron variant (5).
Genome position (GRCh38, 1-based): chr12:56,720,316, A>G on the plus strand (T>C on the coding strand, the complement: NACA is on the minus strand). VCF-style: chr12-56720316-A-G. GRCh37 (hg19) VCF-style: chr12-57114100-A-G.
Other names: c.1214T>C, p.Phe405Ser (NM_001113203.3); c.70+4136T>C (NM_001113202.2, NM_001320194.2, NM_001320193.2 and 2 more transcripts); short protein forms F405S.
Identifiers: ClinVar variation 1260078 (VCV001260078.3), dbSNP rs2926743, ClinGen allele CA6637186.
Genomic context (GRCh38, chr12:56,720,316, plus strand): 5'-TAATGATAAGTGGCATTAGGAGAGCTTTTGAGAATGAGAGAGGTTGTAGGAGATAATGAA[A>G]AAGAGGTAGCTACATTTAAGGAGCCAGAAGGGCTGCAGGTTATGCTAGAGATGGTAGAGG-3'
Protein context (NP_001352825.1, residues 395-415): PSGSLNVATS[Phe405Ser]SLSPTTSLIL

ClinVar aggregate classification (germline): Benign. Review status: criteria provided, multiple submitters, no conflicts (2 of 4 stars). 2 submissions from 2 submitters: Benign (2). Last evaluated 2019-01-10.

Allele frequency attached by ClinVar (database versions not stated): gnomAD exomes 0.73935 and 0.77257; ESP Exome Variant Server 0.77534; ExAC 0.77541; gnomAD 0.79049 and 0.79250; TOPMed 0.79074; 1000 Genomes Project 0.80871; 1000 Genomes Project 30x 0.81605.

Submissions (2):

GeneDx
Classification: Benign. Last evaluated: 2019-01-10. Review status: criteria provided, single submitter. Criteria: GeneDx Variant Classification Process June 2021. Collection method: clinical testing. Allele origin: germline. Affected: yes.
Comment: This variant is associated with the following publications: (PMID: 29874175, 30012220)

Breakthrough Genomics
Classification: Benign. Review status: criteria provided, single submitter. Criteria: ACMG Guidelines, 2015. Collection method: not provided. Allele origin: germline. Inheritance: Unknown mechanism. Affected: yes.